The following is an entry in ClinVar:

ClinVar aggregate classification (germline): Uncertain significance. Review status: criteria provided, multiple submitters, no conflicts (2 of 4 stars). 4 submissions from 4 submitters: Uncertain significance (4). Last evaluated 2025-11-19.

Conditions:
Hereditary cancer-predisposing syndrome. Also called: Hereditary neoplastic syndrome; Tumor predisposition; Neoplastic Syndromes, Hereditary; Hereditary Cancer Syndrome. Identifiers: Orphanet 140162, MedGen C0027672, MeSH D009386, MONDO:0015356.
Oligodontia-cancer predisposition syndrome. Also called: TOOTH AGENESIS-COLORECTAL CANCER SYNDROME. Identifiers: Orphanet 300576, MedGen C1837750, MONDO:0012075, OMIM 608615. Disease mechanism: loss of function.
Carcinoma of colon (CRC). Also called: Colon carcinoma; Colonic carcinoma. Identifiers: MedGen C0699790, MONDO:0002032.
Colorectal cancer. Also called: Colorectal cancer, somatic; Malignant Colorectal Neoplasm. Identifiers: MedGen C0346629, MONDO:0005575, OMIM 114500.

Allele frequency attached by ClinVar (database versions not stated): gnomAD 0.00003.

Submissions (4):

Labcorp Genetics (formerly Invitae), Labcorp
Classification: Uncertain significance for Oligodontia-cancer predisposition syndrome. Last evaluated: 2025-11-19. Review status: criteria provided, single submitter. Criteria: Invitae Variant Classification Sherloc (09022015). Collection method: clinical testing. Allele origin: germline.
Comment: This sequence change replaces valine, which is neutral and non-polar, with methionine, which is neutral and non-polar, at codon 365 of the AXIN2 protein (p.Val365Met). This variant is present in population databases (no rsID available, gnomAD 0.003%). This variant has not been reported in the literature in individuals affected with AXIN2-related conditions. ClinVar contains an entry for this variant (Variation ID: 533223). Invitae Evidence Modeling of protein sequence and biophysical properties (such as structural, functional, and spatial information, amino acid conservation, physicochemical variation, residue mobility, and thermodynamic stability) indicates that this missense variant is not expected to disrupt AXIN2 protein function with a negative predictive value of 80%. In summary, the available evidence is currently insufficient to determine the role of this variant in disease. Therefore, it has been classified as a Variant of Uncertain Significance.

Ambry Genetics
Classification: Uncertain significance for Hereditary cancer-predisposing syndrome. Last evaluated: 2025-03-20. Review status: criteria provided, single submitter. Criteria: Ambry Variant Classification Scheme 2023. Collection method: clinical testing. Allele origin: germline.
Comment: The p.V365M variant (also known as c.1093G>A), located in coding exon 4 of the AXIN2 gene, results from a G to A substitution at nucleotide position 1093. The valine at codon 365 is replaced by methionine, an amino acid with highly similar properties. This amino acid position is not well conserved in available vertebrate species. In addition, the in silico prediction for this alteration is inconclusive. Since supporting evidence is limited at this time, the clinical significance of this alteration remains unclear.

Baylor Genetics
Classification: Uncertain significance for Colorectal cancer. Last evaluated: 2023-07-25. Review status: criteria provided, single submitter. Criteria: ACMG Guidelines, 2015. Collection method: clinical testing. Allele origin: unknown.

Fulgent Genetics
Classification: Uncertain significance for Colorectal cancer; Oligodontia-cancer predisposition syndrome. Last evaluated: 2018-10-31. Review status: criteria provided, single submitter. Criteria: ACMG Guidelines, 2015. Collection method: clinical testing. Allele origin: unknown.

NM_004655.4(AXIN2):c.1093G>A (p.Val365Met)

Gene: AXIN2 (axin 2; minus strand). Cytogenetic location: 17q24.1.
Variant type: single nucleotide variant.
Coding change: c.1093G>A on transcript NM_004655.4 (MANE Select); coding-DNA position 1093, G replaced by A.
Protein change: p.Val365Met; replaces valine 365 with methionine.
Molecular consequence: missense variant.
Genome position (GRCh38, 1-based): chr17:65,538,310, C>T on the plus strand (G>A on the coding strand, the complement: AXIN2 is on the minus strand). VCF-style: chr17-65538310-C-T. GRCh37 (hg19) VCF-style: chr17-63534428-C-T.
Other names: c.1093G>A (LRG_296t1); c.1093G>A, p.Val365Met (NM_001363813.1); short protein forms V365M.
Identifiers: ClinVar variation 533223 (VCV000533223.16), dbSNP rs761901627, ClinGen allele CA293099037.